The following is an entry in ClinVar:

ClinVar aggregate classification (germline): Likely benign (1 of 4 stars; one submission).

Allele frequency attached by ClinVar (database versions not stated): gnomAD exomes 0.00012 and 0.00018; gnomAD 0.00014 and 0.00015; ExAC 0.00017; 1000 Genomes Project 0.00020; TOPMed 0.00022; 1000 Genomes Project 30x 0.00031; ESP Exome Variant Server 0.00031.

Submission:

CeGaT Center for Human Genetics Tuebingen
Classification: Likely benign. Last evaluated: 2026-03-01. Review status: criteria provided, single submitter. Criteria: CeGaT Center For Human Genetics Tuebingen Variant Classification Criteria Version 2. Collection method: clinical testing. Allele origin: germline. Affected: yes. Observed: 5 variant alleles.
Comment: POLR2A: BP4, BP7

NM_000937.5(POLR2A):c.3363G>T (p.Val1121=)

Gene: POLR2A (RNA polymerase II subunit A; plus strand). Cytogenetic location: 17p13.1.
Variant type: single nucleotide variant.
Coding change: c.3363G>T on transcript NM_000937.5 (MANE Select); coding-DNA position 3363, G replaced by T.
Protein change: p.Val1121=; no amino-acid change (valine 1121 retained).
Molecular consequence: synonymous variant.
Genome position (GRCh38, 1-based): chr17:7,508,373, G>T. VCF-style: chr17-7508373-G-T. GRCh37 (hg19) VCF-style: chr17-7411692-G-T.
Identifiers: ClinVar variation 1694819 (VCV001694819.31), dbSNP rs117598105, ClinGen allele CA8349955.